The following is an entry in ClinVar:

NM_000038.6(APC):c.4102A>G (p.Thr1368Ala)

Gene: APC (APC regulator of Wnt signaling pathway; plus strand). Cytogenetic location: 5q22.2.
Variant type: single nucleotide variant.
Coding change: c.4102A>G on transcript NM_000038.6 (MANE Select); coding-DNA position 4102, A replaced by G.
Protein change: p.Thr1368Ala; replaces threonine 1368 with alanine.
Molecular consequence: missense variant.
Genome position (GRCh38, 1-based): chr5:112,839,696, A>G. VCF-style: chr5-112839696-A-G. GRCh37 (hg19) VCF-style: chr5-112175393-A-G.
Other names: c.4102A>G, p.Thr1368Ala (NM_001127510.3, NM_001354895.2, NM_001407450.1); c.4048A>G, p.Thr1350Ala (NM_001127511.3); c.4156A>G, p.Thr1386Ala (NM_001354896.2, NM_001407447.1, NM_001407448.1 and 1 more transcripts); c.4132A>G, p.Thr1378Ala (NM_001354897.2); c.4081A>G, p.Thr1361Ala (NM_001407451.1); c.4072A>G, p.Thr1358Ala (NM_001407452.1); c.3925A>G, p.Thr1309Ala (NM_001407453.1, NM_001354901.2); c.3853A>G, p.Thr1285Ala (NM_001407454.1, NM_001407455.1, NM_001407456.1 and 1 more transcripts); and 11 more; short protein forms T1267A, T1277A, T1085A, T1208A, T1358A, T1361A, T1327A, T1340A.
Identifiers: ClinVar variation 1737864 (VCV001737864.5), dbSNP rs2149906520, ClinGen allele CA16030315.

ClinVar aggregate classification (germline): Uncertain significance. Review status: criteria provided, multiple submitters, no conflicts (2 of 4 stars). 2 submissions from 2 submitters: Uncertain significance (2). Last evaluated 2025-10-13.

Conditions:
Hereditary cancer-predisposing syndrome. Also called: Neoplastic Syndromes, Hereditary; Tumor predisposition; Hereditary Cancer Syndrome; Hereditary neoplastic syndrome. Identifiers: Orphanet 140162, MedGen C0027672, MeSH D009386, MONDO:0015356.
Familial adenomatous polyposis 1 (FAP1). Also called: FAMILIAL ADENOMATOUS POLYPOSIS 1, ATTENUATED; POLYPOSIS, ADENOMATOUS INTESTINAL. Identifiers: MedGen C2713442, MONDO:0021056, OMIM 175100. Disease mechanism: loss of function.

Allele frequency attached by ClinVar (database versions not stated): gnomAD exomes below 0.00001.
gnomAD v4.1: 1 of 1,614,142 alleles (0.000062%); highest among the groups gnomAD compares: Non-Finnish European, 0.000085%; no homozygotes.

Submissions (2):

Labcorp Genetics (formerly Invitae), Labcorp
Classification: Uncertain significance for Familial adenomatous polyposis 1. Last evaluated: 2025-10-13. Review status: criteria provided, single submitter. Criteria: Invitae Variant Classification Sherloc (09022015). Collection method: clinical testing. Allele origin: germline.
Comment: This sequence change replaces threonine, which is neutral and polar, with alanine, which is neutral and non-polar, at codon 1368 of the APC protein (p.Thr1368Ala). This variant is not present in population databases (gnomAD no frequency). This variant has not been reported in the literature in individuals affected with APC-related conditions. ClinVar contains an entry for this variant (Variation ID: 1737864). Invitae Evidence Modeling of protein sequence and biophysical properties (such as structural, functional, and spatial information, amino acid conservation, physicochemical variation, residue mobility, and thermodynamic stability) indicates that this missense variant is not expected to disrupt APC protein function with a negative predictive value of 95%. In summary, the available evidence is currently insufficient to determine the role of this variant in disease. Therefore, it has been classified as a Variant of Uncertain Significance.

Ambry Genetics
Classification: Uncertain significance for Hereditary cancer-predisposing syndrome. Last evaluated: 2023-09-01. Review status: criteria provided, single submitter. Criteria: Ambry Variant Classification Scheme 2023. Collection method: clinical testing. Allele origin: germline.
Comment: The p.T1368A variant (also known as c.4102A>G), located in coding exon 15 of the APC gene, results from an A to G substitution at nucleotide position 4102. The threonine at codon 1368 is replaced by alanine, an amino acid with similar properties. This amino acid position is highly conserved in available vertebrate species. In addition, in silico predictors for this gene do not accurately predict pathogenicity. Since supporting evidence is limited at this time, the clinical significance of this alteration remains unclear.